The following is an entry in ClinVar:

ClinVar aggregate classification (germline): Conflicting classifications of pathogenicity. Review status: criteria provided, conflicting classifications (1 of 4 stars). 3 submissions from 3 submitters: Uncertain significance (1); Likely benign (2). Last evaluated 2026-05-11.

Conditions:
TPRN-related disorder. Also called: TPRN-related condition.

Allele frequency attached by ClinVar (database versions not stated): gnomAD 0.00006 and 0.00009; TOPMed 0.00007; 1000 Genomes Project 30x 0.00016; gnomAD exomes 0.00019 and 0.00021; 1000 Genomes Project 0.00020; ExAC 0.00022; ESP Exome Variant Server 0.00031.
gnomAD v4.1: 309 of 1,613,458 alleles (0.019%); highest among the groups gnomAD compares: South Asian, 0.072%; 1 homozygote.

Submissions (3):

PreventionGenetics, part of Exact Sciences
Classification: Likely benign for TPRN-related condition. Last evaluated: 2026-05-11. Review status: criteria provided, single submitter. Criteria: ACMG Guidelines, 2015. Collection method: clinical testing. Allele origin: germline.
Comment: This variant is classified as likely benign based on ACMG/AMP sequence variant interpretation guidelines (Richards et al. 2015 PMID: 25741868, with internal and published modifications).

Labcorp Genetics (formerly Invitae), Labcorp
Classification: Likely benign. Last evaluated: 2026-01-13. Review status: criteria provided, single submitter. Criteria: Invitae Variant Classification Sherloc (09022015). Collection method: clinical testing. Allele origin: germline.

Eurofins Ntd Llc (ga)
Classification: Uncertain significance. Last evaluated: 2015-06-15. Review status: criteria provided, single submitter. Criteria: EGL Classification Definitions 2015. Collection method: clinical testing. Allele origin: germline. Observed: 1 variant allele, 1 heterozygote.

NM_001128228.3(TPRN):c.1726-7C>T

Gene: TPRN (taperin; minus strand). Cytogenetic location: 9q34.3.
Variant type: single nucleotide variant.
Coding change: c.1726-7C>T on transcript NM_001128228.3 (MANE Select); 7 bases into the intron before coding-DNA position 1726, C replaced by T.
Molecular consequence: intron variant.
Genome position (GRCh38, 1-based): chr9:137,192,698, G>A on the plus strand (C>T on the coding strand, the complement: TPRN is on the minus strand). VCF-style: chr9-137192698-G-A. GRCh37 (hg19) VCF-style: chr9-140087150-G-A.
Other names: c.1726-7C>T (NM_001128228.2).
Identifiers: ClinVar variation 281592 (VCV000281592.13), dbSNP rs377461469, ClinGen allele CA5362653.
Genomic context (GRCh38, chr9:137,192,698, plus strand): 5'-GGAAGGGTACTCAAATGTGGTCTGCAGGCTTTTGTCGTTGAAGGAGATCTTCATCTGGGA[G>A]TGAGAGTCACGTGAACGAGGGCTGAGGGCCCACATGGGCACAGTGATGCCAGGGGCTCAG-3'